The following is an entry in ClinVar:

NM_024503.5(HIVEP3):c.1335C>T (p.Thr445=)

Gene: HIVEP3 (HIVEP zinc finger 3; minus strand). Cytogenetic location: 1p34.2.
Variant type: single nucleotide variant.
Coding change: c.1335C>T on transcript NM_024503.5 (MANE Select); coding-DNA position 1335, C replaced by T.
Protein change: p.Thr445=; no amino-acid change (threonine 445 retained).
Molecular consequence: synonymous variant.
Genome position (GRCh38, 1-based): chr1:41,583,463, G>A on the plus strand (C>T on the coding strand, the complement: HIVEP3 is on the minus strand). VCF-style: chr1-41583463-G-A. GRCh37 (hg19) VCF-style: chr1-42049134-G-A.
Other names: c.1335C>T, p.Thr445= (NM_001127714.3).
Identifiers: ClinVar variation 3039495 (VCV003039495.2), dbSNP rs148512420, ClinGen allele CA798266.

ClinVar aggregate classification (germline): Likely benign (0 of 4 stars; one submission).

Conditions:
HIVEP3-related disorder. Also called: HIVEP3-related condition.

Allele frequency attached by ClinVar (database versions not stated): 1000 Genomes Project 0.00080; 1000 Genomes Project 30x 0.00109; ExAC 0.00116; ESP Exome Variant Server 0.00131; gnomAD 0.00160.
gnomAD v4.1: 2,937 of 1,614,002 alleles (0.18%); highest among the groups gnomAD compares: Non-Finnish European, 0.21%; 3 homozygotes.

Submission:

PreventionGenetics, part of Exact Sciences
Classification: Likely benign for HIVEP3-related condition. Last evaluated: 2019-11-18. Review status: no assertion criteria provided. Collection method: clinical testing. Allele origin: germline.
Comment: This variant is classified as likely benign based on ACMG/AMP sequence variant interpretation guidelines (Richards et al. 2015 PMID: 25741868, with internal and published modifications).